The following is an entry in ClinVar:

NM_001429.4(EP300):c.3928_3929del (p.Leu1310fs)

Gene: EP300 (EP300 lysine acetyltransferase; plus strand). Cytogenetic location: 22q13.2.
Variant type: Deletion.
Coding change: c.3928_3929del on transcript NM_001429.4 (MANE Select); coding-DNA positions 3928 to 3929, 2 bases deleted (CT; older notation c.3928_3929delCT).
Protein change: p.Leu1310fs; shifts the reading frame from leucine 1310.
Molecular consequence: frameshift variant.
Genome position (GRCh38, 1-based): chr22:41,168,502-41,168,503, CT deleted; deleting any 2 consecutive bases within chr22:41,168,501-41,168,503 gives the same sequence; the c. name uses the placement nearest the transcript's 3' end. VCF-style (leftmost placement, unchanged base first): chr22-41168500-TTC-T. GRCh37 (hg19) VCF-style: chr22-41564504-TTC-T.
Other names: c.3850_3851del, p.Leu1284fs (NM_001362843.2); short protein forms L1284fs, L1310fs.
Identifiers: ClinVar variation 4855932 (VCV004855932.1).

ClinVar aggregate classification (germline): Likely pathogenic (1 of 4 stars; one submission).

Conditions:
Rubinstein-Taybi syndrome due to EP300 haploinsufficiency. Also called: RUBINSTEIN-TAYBI SYNDROME 2; EP300-Related Rubinstein-Taybi Syndrome. Identifiers: Orphanet 353284, Orphanet 783, MedGen C3150941, MONDO:0013364, OMIM 613684.

Submission:

3billion
Classification: Likely pathogenic for Rubinstein-Taybi syndrome due to EP300 haploinsufficiency. Last evaluated: 2025-12-17. Review status: criteria provided, single submitter. Criteria: ACMG Guidelines, 2015. Collection method: clinical testing. Allele origin: germline. Affected: yes.
Comment: The variant is not observed in the gnomAD v4.1.0 dataset. Predicted Consequence/Location: Frameshift: predicted to result in a loss or disruption of normal protein function through nonsense-mediated decay (NMD) or protein truncation. Multiple pathogenic variants are reported downstream of the variant. Therefore, this variant is classified as Likely pathogenic according to the recommendation of ACMG/AMP guideline.